The following is an entry in ClinVar:

NM_000051.4(ATM):c.5005+1G>A

Gene: ATM (ATM serine/threonine kinase; plus strand). Cytogenetic location: 11q22.3.
Variant type: single nucleotide variant.
Coding change: c.5005+1G>A on transcript NM_000051.4 (MANE Select); the canonical splice donor site of the intron after coding-DNA position 5005, G replaced by A.
Molecular consequence: splice donor variant.
Genome position (GRCh38, 1-based): chr11:108,297,383, G>A. VCF-style: chr11-108297383-G-A. GRCh37 (hg19) VCF-style: chr11-108168110-G-A.
Other names: c.5005+1G>A (NM_001351834.2).
Identifiers: ClinVar variation 859032 (VCV000859032.12), dbSNP rs1057517427, ClinGen allele CA382538604.
Genomic context (GRCh38, chr11:108,297,383, plus strand): 5'-TCAATTTGTTGCAGTTATCCAAGATGGCAATAAACCACACTGGTGAAAAAGAAGTTCTAG[G>A]TAAACTACAGTCATGCGCTGCGTGACATTTCAGTCAACTGCGGATCACATATAGGACAGA-3'

ClinVar aggregate classification (germline): Likely pathogenic. Review status: criteria provided, multiple submitters, no conflicts (2 of 4 stars). 5 submissions from 5 submitters: Likely pathogenic (5). Last evaluated 2025-06-02.

Conditions:
Ataxia-telangiectasia syndrome (AT). Also called: Ataxia telangiectasia (A-T); Cerebello-oculocutaneous telangiectasia; Immunodeficiency with ataxia telangiectasia; AT, COMPLEMENTATION GROUP C; ATAXIA-TELANGIECTASIA, COMPLEMENTATION GROUP A; ATAXIA-TELANGIECTASIA, FRESNO VARIANT. Identifiers: Orphanet 100, MedGen C0004135, MONDO:0008840, OMIM 208900.
Familial cancer of breast. Also called: hereditary breast carcinoma; BREAST CANCER, FAMILIAL; Hereditary breast cancer. Identifiers: Orphanet 227535, MedGen C0346153, MONDO:0016419, OMIM 114480. Disease mechanism: loss of function.
Hereditary cancer-predisposing syndrome. Also called: Hereditary neoplastic syndrome; Tumor predisposition; Neoplastic Syndromes, Hereditary; Hereditary Cancer Syndrome. Identifiers: Orphanet 140162, MedGen C0027672, MeSH D009386, MONDO:0015356.

gnomAD v4.1: 1 of 1,610,400 alleles (0.000062%); highest among the groups gnomAD compares: Non-Finnish European, 0.000085%; no homozygotes.

Submissions (5):

Ambry Genetics
Classification: Likely pathogenic for Hereditary cancer-predisposing syndrome. Last evaluated: 2025-06-02. Review status: criteria provided, single submitter. Criteria: Ambry Variant Classification Scheme 2023. Collection method: clinical testing. Allele origin: germline.
Comment: The c.5005+1G>A intronic variant results from a G to A substitution one nucleotide after coding exon 32 of the ATM gene. This nucleotide position is highly conserved in available vertebrate species. In silico splice site analysis predicts that this alteration will weaken the native splice donor site; however, direct evidence is insufficient at this time (Ambry internal data). This variant is considered to be rare based on population cohorts in the Genome Aggregation Database (gnomAD). Alterations that disrupt the canonical splice site are expected to cause aberrant splicing, resulting in an abnormal protein or a transcript that is subject to nonsense-mediated mRNA decay. As such, this alteration is classified as likely pathogenic.

Labcorp Genetics (formerly Invitae), Labcorp
Classification: Likely pathogenic for Ataxia-telangiectasia syndrome. Last evaluated: 2025-05-26. Review status: criteria provided, single submitter. Criteria: Invitae Variant Classification Sherloc (09022015). Collection method: clinical testing. Allele origin: germline.
Comment: This sequence change affects a donor splice site in intron 33 of the ATM gene. It is expected to disrupt RNA splicing. Variants that disrupt the donor or acceptor splice site typically lead to a loss of protein function (PMID: 16199547), and loss-of-function variants in ATM are known to be pathogenic (PMID: 23807571, 25614872). This variant is not present in population databases (gnomAD no frequency). Disruption of this splice site has been observed in individual(s) with ataxia-telangiectasia (PMID: 26896183). ClinVar contains an entry for this variant (Variation ID: 859032). Studies have shown that disruption of this splice site is associated with altered splicing resulting in multiple RNA products (internal data). In summary, the currently available evidence indicates that the variant is pathogenic, but additional data are needed to prove that conclusively. Therefore, this variant has been classified as Likely Pathogenic.

Fulgent Genetics
Classification: Likely pathogenic for Familial cancer of breast; Ataxia-telangiectasia syndrome. Last evaluated: 2024-02-14. Review status: criteria provided, single submitter. Criteria: ACMG Guidelines, 2015. Collection method: clinical testing. Allele origin: germline.

Myriad Genetics, Inc.
Classification: Likely pathogenic for Familial cancer of breast. Last evaluated: 2024-01-25. Review status: criteria provided, single submitter. Criteria: Myriad Autosomal Dominant, Autosomal Recessive and X-Linked Classification Criteria (2023). Collection method: clinical testing. Allele origin: unknown.
Comment: This variant is considered likely pathogenic. This variant occurs within a consensus splice junction and is predicted to result in abnormal mRNA splicing of either an out-of-frame exon or an in-frame exon necessary for protein stability and/or normal function.

Baylor Genetics
Classification: Likely pathogenic for Familial cancer of breast. Last evaluated: 2023-10-19. Review status: criteria provided, single submitter. Criteria: ACMG Guidelines, 2015. Collection method: clinical testing. Allele origin: unknown.

Literature cited by the submitters: PubMed 16199547 (cited by Labcorp Genetics (formerly Invitae), Labcorp); PubMed 23807571 (cited by Labcorp Genetics (formerly Invitae), Labcorp); PubMed 25614872 (cited by Labcorp Genetics (formerly Invitae), Labcorp); PubMed 26896183 (cited by Labcorp Genetics (formerly Invitae), Labcorp).